The following is an entry in ClinVar:

NM_002718.5(PPP2R3A):c.3351_3354dup (p.Pro1119Ter)

Gene: PPP2R3A (protein phosphatase 2 regulatory subunit B''alpha; plus strand). Cytogenetic location: 3q22.3.
Variant type: Duplication.
Coding change: c.3351_3354dup on transcript NM_002718.5 (MANE Select); coding-DNA positions 3351 to 3354, 4 bases duplicated (TGAA; older notation c.3351_3354dupTGAA).
Protein change: p.Pro1119Ter; replaces proline 1119 with a stop codon.
Molecular consequence: nonsense.
Genome position (GRCh38, 1-based): chr3:136,145,064-136,145,067, TGAA duplicated; duplicating any 4 consecutive bases within chr3:136,145,063-136,145,067 gives the same sequence; the c. name uses the placement nearest the transcript's 3' end. VCF-style (leftmost placement, unchanged base first): chr3-136145062-G-GATGA. GRCh37 (hg19) VCF-style: chr3-135863904-G-GATGA.
Other names: c.1143_1146dup, p.Pro383Ter (NM_001190447.2); c.1488_1491dup, p.Pro498Ter (NM_181897.3); short protein forms P1119*, P383*, P498*.
Identifiers: ClinVar variation 3043205 (VCV003043205.2), dbSNP rs148435414, ClinGen allele CA2631177.

ClinVar aggregate classification (germline): Benign (0 of 4 stars; one submission).

Conditions:
PPP2R3A-related disorder. Also called: PPP2R3A-related condition.

Submission:

PreventionGenetics, part of Exact Sciences
Classification: Benign for PPP2R3A-related condition. Last evaluated: 2019-04-11. Review status: no assertion criteria provided. Collection method: clinical testing. Allele origin: germline.
Comment: This variant is classified as benign based on ACMG/AMP sequence variant interpretation guidelines (Richards et al. 2015 PMID: 25741868, with internal and published modifications).